The following is an entry in ClinVar:

NM_000179.3(MSH6):c.196C>T (p.Pro66Ser)

Gene: MSH6 (mutS homolog 6; plus strand). Cytogenetic location: 2p16.3.
Variant type: single nucleotide variant.
Coding change: c.196C>T on transcript NM_000179.3 (MANE Select); coding-DNA position 196, C replaced by T.
Protein change: p.Pro66Ser; replaces proline 66 with serine.
Molecular consequence: missense variant. On other transcripts: 5 prime UTR variant (7), synonymous variant (1), non-coding transcript variant (5), intron variant (5).
Genome position (GRCh38, 1-based): chr2:47,783,429, C>T. VCF-style: chr2-47783429-C-T. GRCh37 (hg19) VCF-style: chr2-48010568-C-T.
Other names: c.196C>T, p.Pro66Ser (NM_001281492.2, NM_001406795.1, NM_001406796.1 and 9 more transcripts); c.-541C>T (NM_001281493.2, NM_001406811.1); c.-133C>T (NM_001406799.1); c.141C>T, p.His47= (NM_001406804.1); c.-733C>T (NM_001406807.1); c.-388C>T (NM_001406812.1); c.-799C>T (NM_001406814.1); c.-344C>T (NM_001406816.1); and 3 more; short protein forms P66S.
Identifiers: ClinVar variation 2609245 (VCV002609245.5), dbSNP rs1572698406, ClinGen allele CA346735034.

ClinVar aggregate classification (germline): Conflicting classifications of pathogenicity. Review status: criteria provided, conflicting classifications (1 of 4 stars). 2 submissions from 2 submitters: Uncertain significance (1); Likely benign (1). Last evaluated 2026-08-24.

Conditions:
Hereditary cancer-predisposing syndrome. Also called: Hereditary neoplastic syndrome; Hereditary Cancer Syndrome; Neoplastic Syndromes, Hereditary; Tumor predisposition. Identifiers: Orphanet 140162, MedGen C0027672, MeSH D009386, MONDO:0015356.

Submissions (2):

Ambry Genetics
Classification: Likely benign for Hereditary cancer-predisposing syndrome. Last evaluated: 2026-08-24. Review status: criteria provided, single submitter. Criteria: Ambry Variant Classification Scheme 2023. Collection method: clinical testing. Allele origin: germline.

Color Diagnostics, LLC DBA Color Health
Classification: Uncertain significance for Hereditary cancer-predisposing syndrome. Last evaluated: 2024-03-07. Review status: criteria provided, single submitter. Criteria: ACMG Guidelines, 2015. Collection method: clinical testing. Allele origin: germline.
Comment: This missense variant replaces proline with serine at codon 66 of the MSH6 protein. Computational prediction suggests that this variant may not impact protein structure and function (internally defined REVEL score threshold <= 0.5, PMID: 27666373). To our knowledge, functional studies have not been reported for this variant. This variant has not been reported in individuals affected with hereditary cancer in the literature. This variant has not been identified in the general population by the Genome Aggregation Database (gnomAD). The available evidence is insufficient to determine the role of this variant in disease conclusively. Therefore, this variant is classified as a Variant of Uncertain Significance.